The following is an entry in ClinVar:

ClinVar aggregate classification (germline): Uncertain significance (1 of 4 stars; one submission).

Conditions:
Progressive familial heart block type IB (PFHB1B). Identifiers: Orphanet 871, MedGen C1970298, MONDO:0011474, OMIM 604559.

Submission:

Labcorp Genetics (formerly Invitae), Labcorp
Classification: Uncertain significance for Progressive familial heart block type IB. Last evaluated: 2020-09-24. Review status: criteria provided, single submitter. Criteria: Invitae Variant Classification Sherloc (09022015). Collection method: clinical testing. Allele origin: germline.
Comment: In summary, the available evidence is currently insufficient to determine the role of this variant in disease. Therefore, it has been classified as a Variant of Uncertain Significance. The current clinical and genetic evidence is not sufficient to establish whether loss-of-function variants in TRPM4 cause disease. This variant has not been reported in the literature in individuals with TRPM4-related conditions. This variant is not present in population databases (ExAC no frequency). This sequence change creates a premature translational stop signal (p.Glu1118Serfs*5) in the TRPM4 gene. It is expected to result in an absent or disrupted protein product.

NM_017636.4(TRPM4):c.3351del (p.Glu1118fs)

Gene: TRPM4 (transient receptor potential cation channel subfamily M member 4; plus strand). Cytogenetic location: 19q13.33.
Variant type: Deletion.
Coding change: c.3351del on transcript NM_017636.4 (MANE Select); coding-DNA position 3351, one base deleted (C; older notation c.3351delC).
Protein change: p.Glu1118fs; shifts the reading frame from glutamic acid 1118.
Molecular consequence: frameshift variant.
Genome position (GRCh38, 1-based): chr19:49,210,732, C deleted; the last of 2 consecutive C bases (chr19:49,210,731-49,210,732); deleting either gives the same sequence. VCF-style (leftmost placement, unchanged base first): chr19-49210730-GC-G. GRCh37 (hg19) VCF-style: chr19-49713987-GC-G.
Other names: c.2916del, p.Glu973fs (NM_001195227.2); c.3006del, p.Glu1003fs (NM_001321281.2); c.1743del, p.Glu582fs (NM_001321282.2); c.2829del, p.Glu944fs (NM_001321283.2); c.2289del, p.Glu764fs (NM_001321285.2); short protein forms E1003fs, E1118fs, E582fs, E764fs, E944fs, E973fs.
Identifiers: ClinVar variation 1061070 (VCV001061070.7), dbSNP rs2145998039, ClinGen allele CA2499225539.